The following is an entry in ClinVar:

ClinVar aggregate classification (germline): Uncertain significance (1 of 4 stars; one submission).

Submission:

Quest Diagnostics Nichols Institute San Juan Capistrano
Classification: Uncertain significance. Last evaluated: 2025-05-19. Review status: criteria provided, single submitter. Criteria: Quest Diagnostics criteria. Collection method: clinical testing. Allele origin: unknown.
Comment: The HBB c.326A>T (p.Asn109Ile) variant has been reported in the published literature in individuals as unstable with a low oxygen affinity (PMIDs: 10081990 (1999) and 12010673 (2002)). This variant has not been reported in large, multi-ethnic general populations (Genome Aggregation Database). Analysis of this variant using bioinformatics tools for the prediction of the effect of amino acid changes on protein structure and function yielded predictions that this variant is damaging. Based on the available information, we are unable to determine the clinical significance of this variant.

Literature cited by the submitters: PubMed 12010673.

NM_000518.5(HBB):c.326A>T (p.Asn109Ile)

Genes: HBB (hemoglobin subunit beta; minus strand), LOC110006319 (beta-globin gene 3' regulatory region; plus strand), LOC107133510 (origin of replication at HBB; plus strand). Cytogenetic location: 11p15.4.
Variant type: single nucleotide variant.
Coding change: c.326A>T on transcript NM_000518.5 (MANE Select); coding-DNA position 326, A replaced by T.
Protein change: p.Asn109Ile; replaces asparagine 109 with isoleucine.
Molecular consequence: missense variant.
Genome position (GRCh38, 1-based): chr11:5,225,716, T>A on the plus strand (A>T on the coding strand, the complement: HBB is on the minus strand). VCF-style: chr11-5225716-T-A. GRCh37 (hg19) VCF-style: chr11-5246946-T-A.
Other names: short protein forms N109I.
Identifiers: ClinVar variation 4532969 (VCV004532969.1).